The following is an entry in ClinVar:

NM_032043.3(BRIP1):c.2157G>A (p.Leu719=)

Gene: BRIP1 (BRCA1 interacting DNA helicase 1; minus strand). Cytogenetic location: 17q23.2.
Variant type: single nucleotide variant.
Coding change: c.2157G>A on transcript NM_032043.3 (MANE Select); coding-DNA position 2157, G replaced by A.
Protein change: p.Leu719=; no amino-acid change (leucine 719 retained).
Molecular consequence: synonymous variant.
Genome position (GRCh38, 1-based): chr17:61,744,532, C>T on the plus strand (G>A on the coding strand, the complement: BRIP1 is on the minus strand). VCF-style: chr17-61744532-C-T. GRCh37 (hg19) VCF-style: chr17-59821893-C-T.
Identifiers: ClinVar variation 2774995 (VCV002774995.5), dbSNP rs2144699040, ClinGen allele CA501151350.

ClinVar aggregate classification (germline): Conflicting classifications of pathogenicity. Review status: criteria provided, conflicting classifications (1 of 4 stars). 2 submissions from 2 submitters: Uncertain significance (1); Likely benign (1). Last evaluated 2023-06-09.

Conditions:
Hereditary cancer-predisposing syndrome. Also called: Hereditary Cancer Syndrome; Hereditary neoplastic syndrome; Tumor predisposition; Neoplastic Syndromes, Hereditary. Identifiers: Orphanet 140162, MedGen C0027672, MeSH D009386, MONDO:0015356.
Fanconi anemia complementation group J. Also called: BRIP1-Related Fanconi Anemia. Identifiers: Orphanet 84, MedGen C1836860, MONDO:0012187, OMIM 609054.
Familial cancer of breast. Also called: Hereditary breast cancer; hereditary breast carcinoma; BREAST CANCER, FAMILIAL. Identifiers: Orphanet 227535, MedGen C0346153, MONDO:0016419, OMIM 114480. Disease mechanism: loss of function.

Submissions (2):

Labcorp Genetics (formerly Invitae), Labcorp
Classification: Uncertain significance for Familial cancer of breast; Fanconi anemia complementation group J. Last evaluated: 2023-06-09. Review status: criteria provided, single submitter. Criteria: Invitae Variant Classification Sherloc (09022015). Collection method: clinical testing. Allele origin: germline.
Comment: In summary, the available evidence is currently insufficient to determine the role of this variant in disease. Therefore, it has been classified as a Variant of Uncertain Significance. Algorithms developed to predict the effect of sequence changes on RNA splicing suggest that this variant may disrupt the consensus splice site. This variant has not been reported in the literature in individuals affected with BRIP1-related conditions. This variant is not present in population databases (gnomAD no frequency). This sequence change affects codon 719 of the BRIP1 mRNA. It is a 'silent' change, meaning that it does not change the encoded amino acid sequence of the BRIP1 protein.

Color Diagnostics, LLC DBA Color Health
Classification: Likely benign for Hereditary cancer-predisposing syndrome. Last evaluated: 2021-08-04. Review status: criteria provided, single submitter. Criteria: ACMG Guidelines, 2015. Collection method: clinical testing. Allele origin: germline.